The following is an entry in ClinVar:

NM_004959.5(NR5A1):c.244+1G>T

Gene: NR5A1 (nuclear receptor subfamily 5 group A member 1; minus strand). Cytogenetic location: 9q33.3.
Variant type: single nucleotide variant.
Coding change: c.244+1G>T on transcript NM_004959.5 (MANE Select); the canonical splice donor site of the intron after coding-DNA position 244, G replaced by T.
Molecular consequence: splice donor variant.
Genome position (GRCh38, 1-based): chr9:124,503,078, C>A on the plus strand (G>T on the coding strand, the complement: NR5A1 is on the minus strand). VCF-style: chr9-124503078-C-A. GRCh37 (hg19) VCF-style: chr9-127265357-C-A.
Other names: c.244+1G>T (NM_004959.4).
Identifiers: ClinVar variation 1202586 (VCV001202586.3), dbSNP rs2131289685, ClinGen allele CA374890020.
Genomic context (GRCh38, chr9:124,503,078, plus strand): 5'-CCCCACCCCCTACCCCCTCAGGCTGTGGGGGGTCAGGGGTCGAGGCCCGCGCGGCGCGCA[C>A]CTTCCAGGCGCATCCCCACCGTCAGGCATTTCTGGAAGCGGCAGAAGGGACAGCGCTTGC-3'

ClinVar aggregate classification (germline): Pathogenic. Review status: criteria provided, single submitter (1 of 4 stars). 2 submissions from 2 submitters: Pathogenic (1). 1 of the submissions does not count toward it. Last evaluated 2023-07-17.

Conditions:
Disorder of sexual differentiation. Also called: Difference of sexual differentiation; Disorder of sex development. Identifiers: Orphanet 90771, MedGen C2930619, MONDO:0002145.
46,XY sex reversal 3. Also called: NR5A1-related 46,XY complete gonadal dysgenesis; 46,XY SEX REVERSAL, PARTIAL OR COMPLETE, NR5A1-RELATED; 46,XY GONADAL DYSGENESIS, PARTIAL OR COMPLETE, WITH OR WITHOUT ADRENAL FAILURE; DISORDER OF SEX DEVELOPMENT, 46,XY, NR5A1-RELATED; SEX REVERSAL, XY, WITH OR WITHOUT ADRENAL FAILURE. Identifiers: MedGen C3489793, MONDO:0013066, OMIM 612965.

Submissions (2):

Victorian Clinical Genetics Services, Murdoch Childrens Research Institute
Classification: Pathogenic for 46,XY sex reversal 3. Last evaluated: 2023-07-17. Review status: criteria provided, single submitter. Criteria: ACMG Guidelines, 2015. Collection method: clinical testing. Allele origin: germline. Inheritance: Autosomal dominant inheritance. Affected: yes.
Comment: Based on the classification scheme VCGS_Germline_v1.3.4, this variant is classified as Pathogenic. Following criteria are met: 0102 - Loss of function is a known mechanism of disease in this gene and is associated with NR5A1-related differences of sex development (OMIM). (I) 0107 - This gene is associated with autosomal dominant disease. (I) 0112 - The condition associated with this gene has incomplete penetrance. Unaffected carriers have been reported in a number of families (PMID: 31513305). (I) 0115 - Variants in this gene are known to have variable expressivity. Intrafamilial variability has been reported (PMID: 31513305). (I) 0211 - Canonical splice site variant without proven consequence on splicing (no functional evidence available). (SP) 0251 - This variant is heterozygous. (I) 0301 - Variant is absent from gnomAD (both v2 and v3). (SP) 0505 - Abnormal splicing is predicted by in silico tools and affected nucleotide is highly conserved. (SP) 0703 - Other canonical splice variants comparable to the one identified in this case have moderate previous evidence for pathogenicity. c.244+1G>A has been identified in a family with a range of NR5A1-related DSD phenotypes, and c.244+1G>C has been identified in an individual with 46,XY sex reversal (PMIDs: 35935368, 31852928). (SP) 0803 - This variant has limited previous evidence of pathogenicity in an unrelated individual. This variant has been observed in two siblings with NR5A1-related DSD (PMID: 35432193). (SP) 0905 - No published segregation evidence has been identified for this variant. (I) 1007 - No published functional evidence has been identified for this variant. (I) 1208 - Inheritance information for this variant is not currently available in this individual. (I) Legend: (SP) - Supporting pathogenic, (I) - Information, (SB) - Supporting benign

Human Developmental Genetics, Institut Pasteur
Classification: Pathogenic for Disorder of sexual differentiation. Last evaluated: 2021-08-17. Review status: no assertion criteria provided. Collection method: research. Allele origin: unknown. Inheritance: Autosomal dominant inheritance. Affected: yes. Observed: 1 variant allele, 1 heterozygote. Not counted in ClinVar's aggregate classification.

Literature cited by the submitters: PubMed 31513305 (cited by Victorian Clinical Genetics Services, Murdoch Childrens Research Institute); PubMed 31852928 (cited by Victorian Clinical Genetics Services, Murdoch Childrens Research Institute); PubMed 35432193 (cited by Victorian Clinical Genetics Services, Murdoch Childrens Research Institute); PubMed 35935368 (cited by Victorian Clinical Genetics Services, Murdoch Childrens Research Institute).